The following is an entry in ClinVar:

NM_020732.3:c.797T>C

Gene: ARID1B (AT-rich interaction domain 1B; plus strand).
Variant type: single nucleotide variant.
Other names: c.797T>C (NM_020732.3).
Identifiers: ClinVar variation 4531156 (VCV004531156.1).

ClinVar aggregate classification (germline): Uncertain significance (1 of 4 stars; one submission).

Submission:

GeneDx
Classification: Uncertain significance. Last evaluated: 2025-05-21. Review status: criteria provided, single submitter. Criteria: GeneDx Variant Classification Process June 2021. Collection method: clinical testing. Allele origin: germline. Affected: yes.
Comment: Not observed at significant frequency in large population cohorts (gnomAD); In silico analysis suggests that this missense variant does not alter protein structure/function; Has not been previously published as pathogenic or benign to our knowledge